The following is an entry in ClinVar:

NM_000426.4(LAMA2):c.4437-2A>C

Gene: LAMA2 (laminin subunit alpha 2; plus strand). Cytogenetic location: 6q22.33.
Variant type: single nucleotide variant.
Coding change: c.4437-2A>C on transcript NM_000426.4 (MANE Select); the canonical splice acceptor site of the intron before coding-DNA position 4437, A replaced by C.
Molecular consequence: splice acceptor variant.
Genome position (GRCh38, 1-based): chr6:129,349,296, A>C. VCF-style: chr6-129349296-A-C. GRCh37 (hg19) VCF-style: chr6-129670441-A-C.
Other names: c.4437-2A>C (NM_001079823.2).
Identifiers: ClinVar variation 4760659 (VCV004760659.1).

ClinVar aggregate classification (germline): Likely pathogenic (1 of 4 stars; one submission).

Conditions:
LAMA2-related muscular dystrophy (LAMA2-RD). Also called: Laminin alpha 2-related dystrophy. Identifiers: MedGen C5679788, MONDO:0100228.

gnomAD v4.1: 1 of 1,612,490 alleles (0.000062%); highest among the groups gnomAD compares: Non-Finnish European, 0.000085%; no homozygotes.

Submission:

Labcorp Genetics (formerly Invitae), Labcorp
Classification: Likely pathogenic for LAMA2-related muscular dystrophy. Last evaluated: 2025-09-21. Review status: criteria provided, single submitter. Criteria: Invitae Variant Classification Sherloc (09022015). Collection method: clinical testing. Allele origin: germline.
Comment: This sequence change affects an acceptor splice site in intron 30 of the LAMA2 gene. It is expected to disrupt RNA splicing. Variants that disrupt the donor or acceptor splice site typically lead to a loss of protein function (PMID: 16199547), and loss-of-function variants in LAMA2 are known to be pathogenic (PMID: 18700894, 32904964). This variant is not present in population databases (gnomAD no frequency). This variant has not been reported in the literature in individuals affected with LAMA2-related conditions. Algorithms developed to predict the effect of sequence changes on RNA splicing suggest that this variant may disrupt the consensus splice site. In summary, the currently available evidence indicates that the variant is pathogenic, but additional data are needed to prove that conclusively. Therefore, this variant has been classified as Likely Pathogenic.

Literature cited by the submitters: PubMed 16199547; PubMed 18700894; PubMed 32904964.